The following is an entry in ClinVar:

ClinVar aggregate classification (germline): Uncertain significance (1 of 4 stars; one submission).

Allele frequency attached by ClinVar (database versions not stated): gnomAD 0.00001; gnomAD exomes 0.00001; TOPMed 0.00001.
gnomAD v4.1: 15 of 1,610,072 alleles (0.00093%); highest among the groups gnomAD compares: Admixed American, 0.0017%; no homozygotes.

Submission:

Labcorp Genetics (formerly Invitae), Labcorp
Classification: Uncertain significance. Last evaluated: 2022-10-27. Review status: criteria provided, single submitter. Criteria: Invitae Variant Classification Sherloc (09022015). Collection method: clinical testing. Allele origin: germline.
Comment: In summary, the available evidence is currently insufficient to determine the role of this variant in disease. Therefore, it has been classified as a Variant of Uncertain Significance. Algorithms developed to predict the effect of missense changes on protein structure and function are either unavailable or do not agree on the potential impact of this missense change (SIFT: "Tolerated"; PolyPhen-2: "Possibly Damaging"; Align-GVGD: "Class C0"). This missense change has been observed in individual(s) with clinical features of PACS2-related conditions (PMID: 33004838; Invitae). The frequency data for this variant in the population databases is considered unreliable, as metrics indicate poor data quality at this position in the gnomAD database. This sequence change replaces alanine, which is neutral and non-polar, with threonine, which is neutral and polar, at codon 65 of the PACS2 protein (p.Ala65Thr).

Literature cited by the submitters: PubMed 33004838.

NM_001100913.3(PACS2):c.193G>A (p.Ala65Thr)

Gene: PACS2 (phosphofurin acidic cluster sorting protein 2; plus strand). Cytogenetic location: 14q32.33.
Variant type: single nucleotide variant.
Coding change: c.193G>A on transcript NM_001100913.3 (MANE Select); coding-DNA position 193, G replaced by A.
Protein change: p.Ala65Thr; replaces alanine 65 with threonine.
Molecular consequence: missense variant. On other transcripts: 5 prime UTR variant (1).
Genome position (GRCh38, 1-based): chr14:105,348,566, G>A. VCF-style: chr14-105348566-G-A. GRCh37 (hg19) VCF-style: chr14-105814903-G-A.
Other names: c.-9G>A (NM_001243127.3); c.193G>A, p.Ala65Thr (NM_015197.4); short protein forms A65T.
Identifiers: ClinVar variation 2780289 (VCV002780289.3), dbSNP rs1381174273, ClinGen allele CA391198595.